The following is an entry in ClinVar:

NM_001754.5(RUNX1):c.613+6T>C

Genes: RUNX1-AS1 (RUNX1 antisense RNA 1; plus strand), RUNX1 (RUNX family transcription factor 1; minus strand). Cytogenetic location: 21q22.12.
Variant type: single nucleotide variant.
Coding change: c.613+6T>C on transcript NM_001754.5 (MANE Select); 6 bases into the intron after coding-DNA position 613, T replaced by C.
Molecular consequence: intron variant.
Genome position (GRCh38, 1-based): chr21:34,859,468, A>G on the plus strand (T>C on the coding strand, the complement: RUNX1 is on the minus strand). VCF-style: chr21-34859468-A-G. GRCh37 (hg19) VCF-style: chr21-36231765-A-G.
Other names: c.532+6T>C (NM_001001890.3, NM_001122607.2).
Identifiers: ClinVar variation 1475629 (VCV001475629.7), dbSNP rs2146234153, ClinGen allele CA2573157346.
Genomic context (GRCh38, chr21:34,859,468, plus strand): 5'-TGAGTATACCAGCCTGGAGGGTGTACCAGCCTGGAGGGTGTACCAGCCCCAAGTGGATGC[A>G]CTTACTTCGAGGTTCTCGGGGCCCATCCACTGTGATTTTGATGGCTCTGTGGTAGGTGGC-3'

ClinVar aggregate classification (germline): Uncertain significance. Review status: reviewed by expert panel (3 of 4 stars). 2 submissions from 2 submitters: Uncertain significance (1). 1 of the submissions does not count toward it. Last evaluated 2024-07-25.

Conditions:
Hereditary thrombocytopenia and hematological cancer predisposition syndrome associated with RUNX1. Also called: RUNX1 Familial Platelet Disorder with Associated Myeloid Malignancies; Familial Platelet Disorder with Propensity to Acute Myelogenous Leukemia; Familial thrombocytopenia with propensity to acute myelogenous leukemia; PLATELET DISORDER, ASPIRIN-LIKE. Identifiers: Orphanet 71290, MedGen C1832388, MeSH C563324, MONDO:0100083, OMIM 601399.
Hereditary thrombocytopenia and hematologic cancer predisposition syndrome. Identifiers: Orphanet 71290, MedGen CN281654, MONDO:0011071.

Submissions (2):

ClinGen Myeloid Malignancy Variant Curation Expert Panel
Classification: Uncertain significance for Hereditary thrombocytopenia and hematologic cancer predisposition syndrome. Last evaluated: 2024-07-25. Review status: reviewed by expert panel. Criteria: ClinGen MyeloMalig ACMG Specifications v2. Collection method: curation. Allele origin: germline. Inheritance: Autosomal dominant inheritance.
Comment: NM_001754.5(RUNX1):c.613+6T>C is a variant in intron 6 which affects a nucleotide within the consensus splice site. However, splice prediction algorithms do not predict an effect on splicing (BP4). This variant is completely absent from all population databases with at least 20x coverage for RUNX1 (PM2_supporting). The nucleotide is highly conserved (phyloP100 way = 9.19). In summary, this variant meets the criteria to be classified as a variant of uncertain significance (VUS) for autosomal dominant hereditary thrombocytopenia and hematologic cancer predisposition syndrome based on the ACMG/AMP criteria applied, as specified by the ClinGen Myeloid Malignancy VCEP: BP4, PM2_supporting.

Labcorp Genetics (formerly Invitae), Labcorp
Classification: Uncertain significance for Hereditary thrombocytopenia and hematological cancer predisposition syndrome associated with RUNX1. Last evaluated: 2021-05-13. Review status: criteria provided, single submitter. Criteria: Invitae Variant Classification Sherloc (09022015). Collection method: clinical testing. Allele origin: germline. Not counted in ClinVar's aggregate classification.
Comment: This variant has not been reported in the literature in individuals with RUNX1-related conditions. This variant is not present in population databases (ExAC no frequency). This sequence change falls in intron 6 of the RUNX1 gene. It does not directly change the encoded amino acid sequence of the RUNX1 protein. It affects a nucleotide within the consensus splice site of the intron. Nucleotide substitutions within the consensus splice site are a relatively common cause of aberrant splicing (PMID: 17576681, 9536098). Algorithms developed to predict the effect of sequence changes on RNA splicing suggest that this variant may disrupt the consensus splice site, but this prediction has not been confirmed by published transcriptional studies. In summary, the available evidence is currently insufficient to determine the role of this variant in disease. Therefore, it has been classified as a Variant of Uncertain Significance.

Literature cited by the submitters: PubMed 17576681 (cited by Labcorp Genetics (formerly Invitae), Labcorp); PubMed 9536098 (cited by Labcorp Genetics (formerly Invitae), Labcorp).